The following is an entry in ClinVar:

NM_001447.3(FAT2):c.3749G>T (p.Arg1250Leu)

Genes: FAT2 (FAT atypical cadherin 2; minus strand), SLC36A1 (solute carrier family 36 member 1; plus strand). Cytogenetic location: 5q33.1.
Variant type: single nucleotide variant.
Coding change: c.3749G>T on transcript NM_001447.3 (MANE Select); coding-DNA position 3749, G replaced by T.
Protein change: p.Arg1250Leu; replaces arginine 1250 with leucine.
Molecular consequence: missense variant.
Genome position (GRCh38, 1-based): chr5:151,554,558, C>A on the plus strand (G>T on the coding strand, the complement: FAT2 is on the minus strand). VCF-style: chr5-151554558-C-A. GRCh37 (hg19) VCF-style: chr5-150934119-C-A.
Other names: short protein forms R1250L.
Identifiers: ClinVar variation 2981509 (VCV002981509.3), dbSNP rs145224294, ClinGen allele CA129971084.
Genomic context (GRCh38, chr5:151,554,558, plus strand): 5'-TCTGAAGCCACCAGCCTGTACACAGGCCCAGGGGACACAGGGCTCAGCCTCTCTGGAAGG[C>A]GGACATTGAAGAGCTTGTGGGAGAATATAGGTGGATTGTCATTGACGTCCAAGATGCCTA-3'
Protein context (NP_001438.1, residues 1240-1260): PIFSHKLFNV[Arg1250Leu]LPERLSPVSP

ClinVar aggregate classification (germline): Uncertain significance (1 of 4 stars; one submission).

gnomAD v4.1: 6 of 1,614,040 alleles (0.00037%); highest among the groups gnomAD compares: Admixed American, 0.005%; no homozygotes.

Submission:

Labcorp Genetics (formerly Invitae), Labcorp
Classification: Uncertain significance. Last evaluated: 2023-12-06. Review status: criteria provided, single submitter. Criteria: Invitae Variant Classification Sherloc (09022015). Collection method: clinical testing. Allele origin: germline.
Comment: This sequence change replaces arginine, which is basic and polar, with leucine, which is neutral and non-polar, at codon 1250 of the FAT2 protein (p.Arg1250Leu). This variant is not present in population databases (gnomAD no frequency). This variant has not been reported in the literature in individuals affected with FAT2-related conditions. Advanced modeling of protein sequence and biophysical properties (such as structural, functional, and spatial information, amino acid conservation, physicochemical variation, residue mobility, and thermodynamic stability) performed at Invitae indicates that this missense variant is not expected to disrupt FAT2 protein function with a negative predictive value of 80%. In summary, the available evidence is currently insufficient to determine the role of this variant in disease. Therefore, it has been classified as a Variant of Uncertain Significance.